The following is an entry in ClinVar:

ClinVar aggregate classification (germline): Likely benign (1 of 4 stars; one submission).

Submission:

CeGaT Center for Human Genetics Tuebingen
Classification: Likely benign. Last evaluated: 2023-09-01. Review status: criteria provided, single submitter. Criteria: CeGaT Center For Human Genetics Tuebingen Variant Classification Criteria Version 2. Collection method: clinical testing. Allele origin: germline. Affected: yes. Observed: 1 variant allele.
Comment: ZNF676: BP4, BP7

NM_001001411.3(ZNF676):c.735A>T (p.Ile245=)

Gene: ZNF676 (zinc finger protein 676). Cytogenetic location: 19p12.
Variant type: single nucleotide variant.
Coding change: c.735A>T on transcript NM_001001411.3 (MANE Select); coding-DNA position 735, A replaced by T.
Protein change: p.Ile245=; no amino-acid change (isoleucine 245 retained).
Molecular consequence: synonymous variant.
Genome position (GRCh38, 1-based): chr19:22,180,982, T>A on the plus strand (A>T on the coding strand, the complement: ZNF676 is on the minus strand). VCF-style: chr19-22180982-T-A. GRCh37 (hg19) VCF-style: chr19-22363784-T-A.
Identifiers: ClinVar variation 2649644 (VCV002649644.24), dbSNP rs545560102, ClinGen allele CA506615659.